The following is an entry in ClinVar:

ClinVar aggregate classification (germline): Uncertain significance (1 of 4 stars; one submission).

Conditions:
Familial thoracic aortic aneurysm and aortic dissection (TAAD). Also called: Thoracic aortic aneurysms and dissections. Identifiers: Orphanet 91387, MedGen C4707243, MONDO:0019625.

Submission:

Ambry Genetics
Classification: Uncertain significance for Familial thoracic aortic aneurysm and aortic dissection. Last evaluated: 2021-10-13. Review status: criteria provided, single submitter. Criteria: Ambry Variant Classification Scheme 2023. Collection method: clinical testing. Allele origin: germline.
Comment: The p.W232S variant (also known as c.695G>C), located in coding exon 6 of the SMAD3 gene, results from a G to C substitution at nucleotide position 695. The tryptophan at codon 232 is replaced by serine, an amino acid with highly dissimilar properties. This amino acid position is conserved. In addition, this alteration is predicted to be deleterious by in silico analysis. Since supporting evidence is limited at this time, the clinical significance of this alteration remains unclear.

NM_005902.4(SMAD3):c.695G>C (p.Trp232Ser)

Gene: SMAD3 (SMAD family member 3; plus strand). Cytogenetic location: 15q22.33.
Variant type: single nucleotide variant.
Coding change: c.695G>C on transcript NM_005902.4 (MANE Select); coding-DNA position 695, G replaced by C.
Protein change: p.Trp232Ser; replaces tryptophan 232 with serine.
Molecular consequence: missense variant.
Genome position (GRCh38, 1-based): chr15:67,181,277, G>C. VCF-style: chr15-67181277-G-C. GRCh37 (hg19) VCF-style: chr15-67473615-G-C.
Other names: c.380G>C, p.Trp127Ser (NM_001145102.2, NM_001407016.1); c.563G>C, p.Trp188Ser (NM_001145103.2, NM_001407012.1); c.110G>C, p.Trp37Ser (NM_001145104.2, NM_001407017.1); c.695G>C, p.Trp232Ser (NM_001407011.1, NM_001407013.1); c.548G>C, p.Trp183Ser (NM_001407014.1); c.248G>C, p.Trp83Ser (NM_001407015.1); short protein forms W127S, W232S, W83S, W37S, W183S, W188S.
Identifiers: ClinVar variation 1756323 (VCV001756323.2), dbSNP rs2505283146, ClinGen allele CA392955932.